The following is an entry in ClinVar:

ClinVar aggregate classification (germline): Uncertain significance (1 of 4 stars; one submission).

Conditions:
Neurofibromatosis, type 1 (NF1). Also called: Peripheral type neurofibromatosis; VON RECKLINGHAUSEN DISEASE; NEUROFIBROMATOSIS, TYPE I, SOMATIC; Neurofibromatosis, type I. Identifiers: Orphanet 636, MedGen C0027831, MONDO:0018975, OMIM 162200. Disease mechanism: loss of function.

Submission:

Labcorp Genetics (formerly Invitae), Labcorp
Classification: Uncertain significance for Neurofibromatosis, type 1. Last evaluated: 2024-10-10. Review status: criteria provided, single submitter. Criteria: Invitae Variant Classification Sherloc (09022015). Collection method: clinical testing. Allele origin: germline.
Comment: This sequence change replaces asparagine, which is neutral and polar, with aspartic acid, which is acidic and polar, at codon 510 of the NF1 protein (p.Asn510Asp). This variant is not present in population databases (gnomAD no frequency). This variant has not been reported in the literature in individuals affected with NF1-related conditions. An algorithm developed to predict the effect of missense changes on protein structure and function (PolyPhen-2) suggests that this variant is likely to be disruptive. In summary, the available evidence is currently insufficient to determine the role of this variant in disease. Therefore, it has been classified as a Variant of Uncertain Significance.

NM_001042492.3(NF1):c.1528A>G (p.Asn510Asp)

Gene: NF1 (neurofibromin 1; plus strand). Cytogenetic location: 17q11.2.
Variant type: single nucleotide variant.
Coding change: c.1528A>G on transcript NM_001042492.3 (MANE Select); coding-DNA position 1528, A replaced by G.
Protein change: p.Asn510Asp; replaces asparagine 510 with aspartic acid.
Molecular consequence: missense variant.
Genome position (GRCh38, 1-based): chr17:31,219,005, A>G. VCF-style: chr17-31219005-A-G. GRCh37 (hg19) VCF-style: chr17-29546023-A-G.
Other names: c.1528A>G, p.Asn510Asp (NM_000267.4, NM_001128147.3); short protein forms N510D.
Identifiers: ClinVar variation 3663578 (VCV003663578.2).